The following is an entry in ClinVar:

ClinVar aggregate classification (germline): Uncertain significance (1 of 4 stars; one submission).

Conditions:
Bardet-Biedl syndrome (BBS). Identifiers: Orphanet 110, MedGen C0752166, MONDO:0015229.

Allele frequency attached by ClinVar (database versions not stated): gnomAD exomes below 0.00001.

Submission:

Labcorp Genetics (formerly Invitae), Labcorp
Classification: Uncertain significance for Bardet-Biedl syndrome. Last evaluated: 2022-08-16. Review status: criteria provided, single submitter. Criteria: Invitae Variant Classification Sherloc (09022015). Collection method: clinical testing. Allele origin: germline.
Comment: This sequence change replaces threonine, which is neutral and polar, with isoleucine, which is neutral and non-polar, at codon 512 of the BBS10 protein (p.Thr512Ile). This variant is not present in population databases (gnomAD no frequency). This variant has not been reported in the literature in individuals affected with BBS10-related conditions. Algorithms developed to predict the effect of missense changes on protein structure and function output the following: SIFT: "Deleterious"; PolyPhen-2: "Benign"; Align-GVGD: "Class C0". The isoleucine amino acid residue is found in multiple mammalian species, which suggests that this missense change does not adversely affect protein function. In summary, the available evidence is currently insufficient to determine the role of this variant in disease. Therefore, it has been classified as a Variant of Uncertain Significance.

NM_024685.4(BBS10):c.1535C>T (p.Thr512Ile)

Gene: BBS10 (Bardet-Biedl syndrome 10; minus strand). Cytogenetic location: 12q21.2.
Variant type: single nucleotide variant.
Coding change: c.1535C>T on transcript NM_024685.4 (MANE Select); coding-DNA position 1535, C replaced by T.
Protein change: p.Thr512Ile; replaces threonine 512 with isoleucine.
Molecular consequence: missense variant.
Genome position (GRCh38, 1-based): chr12:76,346,450, G>A on the plus strand (C>T on the coding strand, the complement: BBS10 is on the minus strand). VCF-style: chr12-76346450-G-A. GRCh37 (hg19) VCF-style: chr12-76740230-G-A.
Other names: short protein forms T512I.
Identifiers: ClinVar variation 2158327 (VCV002158327.1), dbSNP rs2540955546, ClinGen allele CA385810960.
Genomic context (GRCh38, chr12:76,346,450, plus strand): 5'-CTGTTTCTTTCCAAAGACAAACATGTCAGCGTTTCAACTGTTTGGAATGTATCTGTTGGT[G>A]TCAGTGTGGGGGTTGAATACGGAATATATGTTTCTAATTCTACATCTGGAATTACCAAAT-3'
Protein context (NP_078961.3, residues 502-522): TYIPYSTPTL[Thr512Ile]PTDTFQTVET